The following is an entry in ClinVar:

NM_006912.6(RIT1):c.270G>T (p.Met90Ile)

Gene: RIT1 (Ras like without CAAX 1; minus strand). Cytogenetic location: 1q22.
Variant type: single nucleotide variant.
Coding change: c.270G>T on transcript NM_006912.6 (MANE Select); coding-DNA position 270, G replaced by T.
Protein change: p.Met90Ile; replaces methionine 90 with isoleucine.
Molecular consequence: missense variant.
Genome position (GRCh38, 1-based): chr1:155,904,470, C>A on the plus strand (G>T on the coding strand, the complement: RIT1 is on the minus strand). VCF-style: chr1-155904470-C-A. GRCh37 (hg19) VCF-style: chr1-155874261-C-A.
Other names: c.270G>T, p.Met90Ile (LRG_1372t1); c.162G>T, p.Met54Ile (NM_001256820.2); c.321G>T, p.Met107Ile (NM_001256821.2); short protein forms M90I, M107I, M54I.
Identifiers: ClinVar variation 265328 (VCV000265328.21), dbSNP rs483352822, ClinGen allele CA10588268.

ClinVar aggregate classification (germline): Pathogenic. Review status: criteria provided, multiple submitters, no conflicts (2 of 4 stars). 10 submissions from 10 submitters: Pathogenic (7). 3 of the submissions do not count toward it. Last evaluated 2026-09-28.

Conditions:
Noonan syndrome 8 (NS8). Identifiers: Orphanet 648, MedGen C3809233, MONDO:0014143, OMIM 615355.
RASopathy. Also called: rasopathies; Noonan spectrum disorder. Identifiers: Orphanet 536391, MedGen C5555857, MONDO:0021060.
Inborn genetic diseases. Identifiers: MedGen C0950123, MeSH D030342.

Submissions (10):

MVZ Martinsried, Medicover Genetics
Classification: Pathogenic for Noonan syndrome 8. Last evaluated: 2026-09-28. Review status: criteria provided, single submitter. Criteria: ClinGen Variant Curation SOP V3.2 + Classification Guidance July2025. Collection method: clinical testing. Allele origin: de novo. Affected: yes. Observed: 1 heterozygote.

Women's Health and Genetics/Laboratory Corporation of America, LabCorp
Classification: Pathogenic for RASopathy. Last evaluated: 2025-02-10. Review status: criteria provided, single submitter. Criteria: LabCorp Variant Classification Summary - May 2015. Collection method: clinical testing. Allele origin: germline.
Comment: Variant summary: RIT1 c.270G>T (p.Met90Ile) results in a conservative amino acid change located in the Small GTP-binding domain (IPR005225) of the encoded protein sequence. Three of five in-silico tools predict a benign effect of the variant on protein function. The variant was absent in 251366 control chromosomes. c.270G>T has been reported in the literature in individuals affected with Noonan Syndrome, including at least one de novo occurrence (e.g. Aoki_2013, Zhang_2019). These data indicate that the variant is likely associated with disease. Two different variants resulting in the same amino acid consequence have been classified as pathogenic by our lab (c.270G>A, c.270G>C), supporting the pathogenicity of this variant. The following publications have been ascertained in the context of this evaluation (PMID: 23791108, 30692697). ClinVar contains an entry for this variant (Variation ID: 265328). Based on the evidence outlined above, the variant was classified as pathogenic.

Genome-Nilou Lab
Classification: Pathogenic for Noonan syndrome 8. Last evaluated: 2023-04-11. Review status: criteria provided, single submitter. Criteria: ACMG Guidelines, 2015. Collection method: clinical testing. Allele origin: germline. Affected: no.

Labcorp Genetics (formerly Invitae), Labcorp
Classification: Pathogenic for Noonan syndrome 8. Last evaluated: 2022-12-02. Review status: criteria provided, single submitter. Criteria: Invitae Variant Classification Sherloc (09022015). Collection method: clinical testing. Allele origin: germline.
Comment: For these reasons, this variant has been classified as Pathogenic. This variant disrupts the Met90 amino acid residue in RIT1. Other variant(s) that disrupt this residue have been determined to be pathogenic (PMID: 27109146, 29734338). This suggests that this residue is clinically significant, and that variants that disrupt this residue are likely to be disease-causing. Advanced modeling of protein sequence and biophysical properties (such as structural, functional, and spatial information, amino acid conservation, physicochemical variation, residue mobility, and thermodynamic stability) performed at Invitae indicates that this missense variant is expected to disrupt RIT1 protein function. ClinVar contains an entry for this variant (Variation ID: 265328). This missense change has been observed in individual(s) with Noonan spectrum disorder (PMID: 23791108, 30692697). In at least one individual the variant was observed to be de novo. This variant is not present in population databases (gnomAD no frequency). This sequence change replaces methionine, which is neutral and non-polar, with isoleucine, which is neutral and non-polar, at codon 90 of the RIT1 protein (p.Met90Ile).

Ambry Genetics
Classification: Pathogenic for Inborn genetic diseases. Last evaluated: 2019-11-27. Review status: criteria provided, single submitter. Criteria: Ambry exome assertion method (8-5-2015). Collection method: clinical testing. Allele origin: germline. Affected: yes. Observed: 1 variant allele.

GeneDx
Classification: Pathogenic. Last evaluated: 2017-03-27. Review status: criteria provided, single submitter. Criteria: GeneDx Variant Classification (06012015). Collection method: clinical testing. Allele origin: germline. Affected: yes.
Comment: The M90I variant in the RIT1 gene has been reported previously in a Noonan syndrome cohort as a de novo change in an individual with hypertrophic cardiomyopathy, pulmonic stenosis, atrial septal defect, ventricular septal defect and patent ductus arteriosus (Aoki et al., 2013). The M90I variant was not observed in approximately 6500 individuals of European and African American ancestry in the NHLBI Exome Sequencing Project, indicating it is not a common benign variant in these populations. The M90I variant is a conservative amino acid substitution, which is not likely to impact secondary protein structure as these residues share similar properties. This substitution occurs at a position that is conserved across species. In silico analysis is inconsistent in its predictions as to whether or not the variant is damaging to the protein structure/function. We interpret M90I as a disease-causing variant.

Juno Genomics, Hangzhou Juno Genomics, Inc
Classification: Pathogenic for Noonan syndrome 8. Review status: criteria provided, single submitter. Criteria: ACMG Guidelines, 2015. Collection method: clinical testing. Allele origin: germline. Affected: yes.
Comment: Absent from controls (or at extremely low frequency if recessive) in Genome Aggregation Database.;Multiple lines of computational evidence support a deleterious effect on the gene or gene product.;Same amino acid change as a previously established pathogenic variant regardless of nucleotide change.;The prevalence of the variant in affected individuals is significantly increased compared to the prevalence in controls.;De novo (both maternity and paternity confirmed) in a patient with the disease and no family history.

Baylor Genetics
Classification: Pathogenic for Noonan syndrome 8. Last evaluated: 2018-11-18. Review status: no assertion criteria provided. Collection method: clinical testing. Allele origin: germline. Affected: yes. Not counted in ClinVar's aggregate classification.

Diagnostic Laboratory, Department of Genetics, University Medical Center Groningen
Classification: Pathogenic. Review status: no assertion criteria provided. Collection method: clinical testing. Allele origin: germline. Affected: yes. Study: VKGL Data-share Consensus. Not counted in ClinVar's aggregate classification.

Joint Genome Diagnostic Labs from Nijmegen and Maastricht, Radboudumc and MUMC+
Classification: Pathogenic. Review status: no assertion criteria provided. Collection method: clinical testing. Allele origin: germline. Affected: yes. Study: VKGL Data-share Consensus. Not counted in ClinVar's aggregate classification.

Literature cited by the submitters: PubMed 23791108 (cited by 3 submitters); PubMed 30692697 (cited by Women's Health and Genetics/Laboratory Corporation of America, LabCorp and Labcorp Genetics (formerly Invitae), Labcorp); PubMed 27109146 (cited by Labcorp Genetics (formerly Invitae), Labcorp); PubMed 29734338 (cited by Labcorp Genetics (formerly Invitae), Labcorp); PubMed 24939608 (cited by Ambry Genetics); PubMed 25959749 (cited by Ambry Genetics); PubMed 26714497 (cited by Ambry Genetics); PubMed 30732632 (cited by Ambry Genetics).